The following continues an entry in ClinVar:

NM_007294.4(BRCA1):c.4988T>A (p.Met1663Lys)

Gene: BRCA1. ClinVar aggregate classification (germline): Uncertain significance. Uncertain significance (7).

Submissions 7 to 12 of 12:

ARUP Laboratories, Molecular Genetics and Genomics, ARUP Laboratories
Classification: Uncertain significance. Last evaluated: 2017-11-10. Review status: criteria provided, single submitter. Criteria: ARUP Molecular Germline Variant Investigation Process. Collection method: clinical testing. Allele origin: germline.

Genetic Services Laboratory, University of Chicago
Classification: Uncertain significance. Last evaluated: 2022-06-23. Review status: no assertion criteria provided. Collection method: clinical testing. Allele origin: germline. Affected: no. Not counted in ClinVar's aggregate classification.
Comment: DNA sequence analysis of the BRCA1 gene demonstrated a sequence change, c.4988T>A, in exon 16 that results in an amino acid change, p.Met1663Lys. This sequence change has not been described in population databases such as ExAC and gnomAD (dbSNP rs80357205). This sequence change has been reported in the Breast Cancer Information Core (BIC) database (PMID: 10923033). The p.Met1663Lys change affects a moderately conserved amino acid residue located in a domain of the BRCA1 protein that is not known to be functional. In-silico missense pathogenicity prediction tools (SIFT, PolyPhen2, Align GVGD, REVEL) provide contradictory results for the p.Met1663Lys substitution and functional studies have been inconclusive about the impact this sequence change has on the function of the BRCA1 protein (PMID: 30209399, 20516115, 20378548, 26778126, 30209399). However, in-silico splice prediction programs indicate this sequence change may affect normal splicing of the BRCA1 gene and an in vitro experimental study showed that it may lead to skipping of exon 16 (PMID: 25724305). Due to insufficient evidences. the clinical significance of the p.Met1663Lys change remains unknown at this time.

Counsyl
Classification: Uncertain significance for Breast-ovarian cancer, familial, susceptibility to, 1. Last evaluated: 2016-01-07. Review status: no assertion criteria provided. Collection method: clinical testing. Allele origin: unknown. Not counted in ClinVar's aggregate classification.

Sharing Clinical Reports Project (SCRP)
Classification: Likely benign for Breast-ovarian cancer, familial 1. Last evaluated: 2011-02-10. Review status: no assertion criteria provided. Collection method: clinical testing. Allele origin: germline. Not counted in ClinVar's aggregate classification.

Breast Cancer Information Core (BIC) (BRCA1)
Classification: Uncertain significance for Breast-ovarian cancer, familial 1. Last evaluated: 2003-12-23. Review status: no assertion criteria provided. Collection method: clinical testing. Allele origin: germline. Affected: yes. Observed: 2 variant alleles. Not counted in ClinVar's aggregate classification.

Brotman Baty Institute, University of Washington
No classification provided (evidence only). Condition: Breast-ovarian cancer, familial 1. Review status: no classification provided. Collection method: in vitro. Allele origin: not applicable. Functional consequence: functionally_abnormal. Not counted in ClinVar's aggregate classification.
ClinVar note: "not provided" was previously submitted as the classification for the variant. However, the classification appeared to be based only on an observation of functional data so it was converted to no classification on 2025-07-30.

Literature cited by the submitters: PubMed 10923033 (cited by Labcorp Genetics (formerly Invitae), Labcorp); PubMed 30209399 (cited by 4 submitters); PubMed 25724305 (cited by 4 submitters); PubMed 26778126 (cited by 3 submitters); PubMed 35665744 (cited by Ambry Genetics); PubMed 20516115 (cited by 3 submitters); PubMed 17305420 (cited by Quest Diagnostics Nichols Institute San Juan Capistrano and Counsyl); PubMed 20378548 (cited by 3 submitters); PubMed 16267036 (cited by Quest Diagnostics Nichols Institute San Juan Capistrano and Counsyl); PubMed 33471991 (cited by Quest Diagnostics Nichols Institute San Juan Capistrano and Color Diagnostics, LLC DBA Color Health); PubMed 26295337 (cited by Quest Diagnostics Nichols Institute San Juan Capistrano); PubMed 15385441 (cited by Counsyl).